The following is an entry in ClinVar:

NM_005560.6(LAMA5):c.6838G>A (p.Ala2280Thr)

Gene: LAMA5 (laminin subunit alpha 5; minus strand). Cytogenetic location: 20q13.33.
Variant type: single nucleotide variant.
Coding change: c.6838G>A on transcript NM_005560.6 (MANE Select); coding-DNA position 6838, G replaced by A.
Protein change: p.Ala2280Thr; replaces alanine 2280 with threonine.
Molecular consequence: missense variant.
Genome position (GRCh38, 1-based): chr20:62,319,717, C>T on the plus strand (G>A on the coding strand, the complement: LAMA5 is on the minus strand). VCF-style: chr20-62319717-C-T. GRCh37 (hg19) VCF-style: chr20-60894773-C-T.
Other names: short protein forms A2280T.
Identifiers: ClinVar variation 1930393 (VCV001930393.5), dbSNP rs750444488, ClinGen allele CA9941537.

ClinVar aggregate classification (germline): Uncertain significance (1 of 4 stars; one submission).

Allele frequency attached by ClinVar (database versions not stated): TOPMed 0.00006; gnomAD 0.00007.
gnomAD v4.1: 14 of 1,547,100 alleles (0.0009%); highest among the groups gnomAD compares: African/African-American, 0.015%; no homozygotes.

Submission:

Labcorp Genetics (formerly Invitae), Labcorp
Classification: Uncertain significance. Last evaluated: 2025-06-12. Review status: criteria provided, single submitter. Criteria: Invitae Variant Classification Sherloc (09022015). Collection method: clinical testing. Allele origin: germline.
Comment: This sequence change replaces alanine, which is neutral and non-polar, with threonine, which is neutral and polar, at codon 2280 of the LAMA5 protein (p.Ala2280Thr). This variant is present in population databases (rs750444488, gnomAD 0.01%). This variant has not been reported in the literature in individuals affected with LAMA5-related conditions. ClinVar contains an entry for this variant (Variation ID: 1930393). Invitae Evidence Modeling of protein sequence and biophysical properties (such as structural, functional, and spatial information, amino acid conservation, physicochemical variation, residue mobility, and thermodynamic stability) indicates that this missense variant is not expected to disrupt LAMA5 protein function with a negative predictive value of 80%. In summary, the available evidence is currently insufficient to determine the role of this variant in disease. Therefore, it has been classified as a Variant of Uncertain Significance.